The following is an entry in ClinVar:

NM_004006.3(DMD):c.8810= (p.Arg2937=)

Gene: DMD (dystrophin; minus strand). Cytogenetic location: Xp21.2.
Variant type: single nucleotide variant.
Coding change: c.8810= on transcript NM_004006.3 (MANE Select); coding-DNA position 8810, no change from the reference sequence.
Protein change: p.Arg2937=; no amino-acid change (arginine 2937 retained).
Molecular consequence: no sequence alteration. On other transcripts: missense variant (2).
Genome position: GRCh38 VCF-style: chrX-31478233-C-C. GRCh37 (hg19) VCF-style: chrX-31496350-C-C.
Other names: p.Q2937R:CAG>CGG; c.8786=, p.Arg2929= (NM_000109.4); c.8798A>G, p.Gln2933Arg (NM_004009.3); c.8441A>G, p.Gln2814Arg (NM_004010.3); c.4787=, p.Arg1596= (NM_004011.4); c.4778=, p.Arg1593= (NM_004012.4); c.1430=, p.Arg477= (NM_004013.3, NM_004020.4, NM_004021.3 and 2 more transcripts); c.623=, p.Arg208= (NM_004014.3); short protein forms Q2814R, Q2933R.
Identifiers: ClinVar variation 137106 (VCV000137106.52), dbSNP rs1800280.
Genomic context (GRCh38, chrX:31,478,233, plus strand): 5'-TTGATCACCTCAGCTTGGCGCAGCTTGAGGTCCAGCTCATCCGTGGCCTCTTGAAGTTCC[C=]GGAGTCTTTCAAGGGTCTCATCTATTTTTCTCTGCCAGTCAGCGGAGTGCAGGTTCAATT-3'
Protein context (NP_003997.2, residues 2927-2947): RKIDETLERL[Arg2937=]ELQEATDELD

ClinVar aggregate classification (germline): Benign. Review status: criteria provided, multiple submitters, no conflicts (2 of 4 stars). 4 submissions from 4 submitters: Benign (4). Last evaluated 2026-02-04.

Conditions:
Duchenne muscular dystrophy (DMD). Also called: Duchenne Muscular Dystrophy (DMD); MUSCULAR DYSTROPHY, PSEUDOHYPERTROPHIC PROGRESSIVE, DUCHENNE TYPE. Identifiers: Orphanet 98896, MedGen C0013264, MONDO:0010679, OMIM 310200.

Allele frequency attached by ClinVar (database versions not stated): 1000 Genomes Project 0.11815; ExAC 0.09548; gnomAD exomes 0.10219; ESP Exome Variant Server 0.04318; gnomAD 0.04757; TOPMed 0.06278; 1000 Genomes Project 30x 0.11717.

Submissions (4):

Labcorp Genetics (formerly Invitae), Labcorp
Classification: Benign for Duchenne muscular dystrophy. Last evaluated: 2026-02-04. Review status: criteria provided, single submitter. Criteria: Invitae Variant Classification Sherloc (09022015). Collection method: clinical testing. Allele origin: germline.

Athena Diagnostics
Classification: Benign. Last evaluated: 2021-04-22. Review status: criteria provided, single submitter. Criteria: Athena Diagnostics Criteria. Collection method: clinical testing. Allele origin: unknown.

Women's Health and Genetics/Laboratory Corporation of America, LabCorp
Classification: Benign. Last evaluated: 2018-07-19. Review status: criteria provided, single submitter. Criteria: LabCorp Variant Classification Summary - May 2015. Collection method: clinical testing. Allele origin: germline.

GeneDx
Classification: Benign. Last evaluated: 2013-11-22. Review status: criteria provided, single submitter. Criteria: GeneDx Variant Classification (06012015). Collection method: clinical testing. Allele origin: germline. Affected: yes.
Comment: This variant is considered likely benign or benign based on one or more of the following criteria: it is a conservative change, it occurs at a poorly conserved position in the protein, it is predicted to be benign by multiple in silico algorithms, and/or has population frequency not consistent with disease.